The following is an entry in ClinVar:

ClinVar aggregate classification (germline): Uncertain significance (1 of 4 stars; one submission).

gnomAD v4.1: 63 of 1,614,008 alleles (0.0039%); highest among the groups gnomAD compares: Non-Finnish European, 0.0049%; no homozygotes.

Submission:

Mayo Clinic Laboratories, Mayo Clinic
Classification: Uncertain significance. Last evaluated: 2024-01-12. Review status: criteria provided, single submitter. Criteria: ACMG Guidelines, 2015. Collection method: clinical testing. Allele origin: germline. Observed: 1 variant allele.
Comment: BP4, PM2_moderate

NM_014844.5(TECPR2):c.2177C>T (p.Thr726Ile)

Gene: TECPR2 (tectonin beta-propeller repeat containing 2; plus strand). Cytogenetic location: 14q32.31.
Variant type: single nucleotide variant.
Coding change: c.2177C>T on transcript NM_014844.5 (MANE Select); coding-DNA position 2177, C replaced by T.
Protein change: p.Thr726Ile; replaces threonine 726 with isoleucine.
Molecular consequence: missense variant.
Genome position (GRCh38, 1-based): chr14:102,434,994, C>T. VCF-style: chr14-102434994-C-T. GRCh37 (hg19) VCF-style: chr14-102901331-C-T.
Other names: p.Thr726Ile; c.2177C>T, p.Thr726Ile (NM_001172631.3); short protein forms T726I.
Identifiers: ClinVar variation 3380237 (VCV003380237.1).